The following is an entry in ClinVar:

NM_001287.6(CLCN7):c.982-3C>A

Gene: CLCN7 (chloride voltage-gated channel 7; minus strand). Cytogenetic location: 16p13.3.
Variant type: single nucleotide variant.
Coding change: c.982-3C>A on transcript NM_001287.6 (MANE Select); 3 bases into the intron before coding-DNA position 982, C replaced by A.
Molecular consequence: intron variant.
Genome position (GRCh38, 1-based): chr16:1,455,253, G>T on the plus strand (C>A on the coding strand, the complement: CLCN7 is on the minus strand). VCF-style: chr16-1455253-G-T. GRCh37 (hg19) VCF-style: chr16-1505254-G-T.
Other names: c.910-3C>A (NM_001114331.3).
Identifiers: ClinVar variation 1421862 (VCV001421862.6), dbSNP rs1345627974, ClinGen allele CA718317544.

ClinVar aggregate classification (germline): Uncertain significance (1 of 4 stars; one submission).

Allele frequency attached by ClinVar (database versions not stated): gnomAD 0.00001; TOPMed 0.00001.

Submission:

Labcorp Genetics (formerly Invitae), Labcorp
Classification: Uncertain significance. Last evaluated: 2021-05-13. Review status: criteria provided, single submitter. Criteria: Invitae Variant Classification Sherloc (09022015). Collection method: clinical testing. Allele origin: germline.
Comment: In summary, the available evidence is currently insufficient to determine the role of this variant in disease. Therefore, it has been classified as a Variant of Uncertain Significance. This sequence change falls in intron 11 of the CLCN7 gene. It does not directly change the encoded amino acid sequence of the CLCN7 protein. It affects a nucleotide within the consensus splice site of the intron. This variant is not present in population databases (ExAC no frequency). This variant has not been reported in the literature in individuals with CLCN7-related conditions. Nucleotide substitutions within the consensus splice site are a relatively common cause of aberrant splicing (PMID: 17576681, 9536098). Algorithms developed to predict the effect of sequence changes on RNA splicing suggest that this variant may disrupt the consensus splice site, but this prediction has not been confirmed by published transcriptional studies.

Literature cited by the submitters: PubMed 17576681; PubMed 9536098.